The following is an entry in ClinVar:

NM_004446.3(EPRS1):c.1134T>A (p.Asp378Glu)

Gene: EPRS1 (glutamyl-prolyl-tRNA synthetase 1; minus strand). Cytogenetic location: 1q41.
Variant type: single nucleotide variant.
Coding change: c.1134T>A on transcript NM_004446.3 (MANE Select); coding-DNA position 1134, T replaced by A.
Protein change: p.Asp378Glu; replaces aspartic acid 378 with glutamic acid.
Molecular consequence: missense variant.
Genome position (GRCh38, 1-based): chr1:220,020,203, A>T on the plus strand (T>A on the coding strand, the complement: EPRS1 is on the minus strand). VCF-style: chr1-220020203-A-T. GRCh37 (hg19) VCF-style: chr1-220193545-A-T.
Other names: short protein forms D378E.
Identifiers: ClinVar variation 1680990 (VCV001680990.6), dbSNP rs1300834363, ClinGen allele CA344626924.

ClinVar aggregate classification (germline): Uncertain significance (1 of 4 stars; one submission).

gnomAD v4.1: 1 of 1,611,790 alleles (0.000062%); no homozygotes.

Submission:

Labcorp Genetics (formerly Invitae), Labcorp
Classification: Uncertain significance. Last evaluated: 2021-11-12. Review status: criteria provided, single submitter. Criteria: Invitae Variant Classification Sherloc (09022015). Collection method: clinical testing. Allele origin: germline.
Comment: This sequence change replaces aspartic acid, which is acidic and polar, with glutamic acid, which is acidic and polar, at codon 378 of the EPRS protein (p.Asp378Glu). This variant is not present in population databases (gnomAD no frequency). This variant has not been reported in the literature in individuals affected with EPRS-related conditions. In summary, the available evidence is currently insufficient to determine the role of this variant in disease. Therefore, it has been classified as a Variant of Uncertain Significance. Algorithms developed to predict the effect of missense changes on protein structure and function are either unavailable or do not agree on the potential impact of this missense change (SIFT: "Deleterious"; PolyPhen-2: "Probably Damaging"; Align-GVGD: "Class C0").